The following is an entry in ClinVar:

NM_001365276.2(TNXB):c.5268C>T (p.Asp1756=)

Gene: TNXB (tenascin XB; minus strand). Cytogenetic location: 6p21.33.
Variant type: single nucleotide variant.
Coding change: c.5268C>T on transcript NM_001365276.2 (MANE Select); coding-DNA position 5268, C replaced by T.
Protein change: p.Asp1756=; no amino-acid change (aspartic acid 1756 retained).
Molecular consequence: synonymous variant.
Genome position (GRCh38, 1-based): chr6:32,070,137, G>A on the plus strand (C>T on the coding strand, the complement: TNXB is on the minus strand). VCF-style: chr6-32070137-G-A. GRCh37 (hg19) VCF-style: chr6-32037914-G-A.
Other names: c.5268C>T, p.Asp1756= (NM_019105.8).
Identifiers: ClinVar variation 1321781 (VCV001321781.23), dbSNP rs377387902, ClinGen allele CA3734752.

ClinVar aggregate classification (germline): Conflicting classifications of pathogenicity. Review status: criteria provided, conflicting classifications (1 of 4 stars). 5 submissions from 5 submitters: Uncertain significance (1); Likely benign (4). Last evaluated 2026-09-23.

Conditions:
TNXB-related disorder. Also called: TNXB-related condition.
Cardiovascular phenotype. Identifiers: MedGen CN230736.

Allele frequency attached by ClinVar (database versions not stated): gnomAD 0.00009.
gnomAD v4.1: 174 of 1,575,632 alleles (0.011%); highest among the groups gnomAD compares: Middle Eastern, 0.018%; no homozygotes.

Submissions (5):

PreventionGenetics, part of Exact Sciences
Classification: Likely benign for TNXB-related condition. Last evaluated: 2026-09-23. Review status: criteria provided, single submitter. Criteria: ACMG Guidelines, 2015. Collection method: clinical testing. Allele origin: germline.
Comment: This variant is classified as likely benign based on ACMG/AMP sequence variant interpretation guidelines (Richards et al. 2015 PMID: 25741868, with internal and published modifications).

Labcorp Genetics (formerly Invitae), Labcorp
Classification: Likely benign. Last evaluated: 2026-01-25. Review status: criteria provided, single submitter. Criteria: Invitae Variant Classification Sherloc (09022015). Collection method: clinical testing. Allele origin: germline.

CeGaT Center for Human Genetics Tuebingen
Classification: Likely benign. Last evaluated: 2024-06-01. Review status: criteria provided, single submitter. Criteria: CeGaT Center For Human Genetics Tuebingen Variant Classification Criteria Version 2. Collection method: clinical testing. Allele origin: germline. Affected: yes. Observed: 1 variant allele.
Comment: TNXB: BP4, BP7

Ambry Genetics
Classification: Uncertain significance for Cardiovascular phenotype. Last evaluated: 2024-04-02. Review status: criteria provided, single submitter. Criteria: Ambry Variant Classification Scheme 2023. Collection method: clinical testing. Allele origin: germline.
Comment: The c.5268C>T variant (also known as p.D1756D), located in coding exon 13 of the TNXB gene, results from a C to T substitution at nucleotide position 5268. This nucleotide substitution does not change the aspartic acid at codon 1756. This nucleotide position is poorly conserved in available vertebrate species. In silico splice site analysis for this alteration is inconclusive. Based on the available evidence, the clinical significance of this alteration remains unclear.

GeneDx
Classification: Likely benign. Last evaluated: 2021-05-13. Review status: criteria provided, single submitter. Criteria: GeneDx Variant Classification Process June 2021. Collection method: clinical testing. Allele origin: germline. Affected: yes.